The following is an entry in ClinVar:

ClinVar aggregate classification (germline): Likely benign. Review status: criteria provided, multiple submitters, no conflicts (2 of 4 stars). 2 submissions from 2 submitters: Likely benign (2). Last evaluated 2023-08-14.

Conditions:
Fructose-biphosphatase deficiency (FBP1D). Also called: Fructose 1,6 Bisphosphatase Deficiency; Fructose-1,6-Bisphosphatase 1 Deficiency; Fructose-1,6-Diphosphatase Deficiency. Identifiers: Orphanet 348, MedGen C0016756, MONDO:0009251, OMIM 229700.

Allele frequency attached by ClinVar (database versions not stated): gnomAD exomes 0.00002; ExAC 0.00003; gnomAD 0.00004 and 0.00008; TOPMed 0.00004.
gnomAD v4.1: 52 of 1,614,100 alleles (0.0032%); highest among the groups gnomAD compares: African/African-American, 0.037%; no homozygotes.

Submissions (2):

Labcorp Genetics (formerly Invitae), Labcorp
Classification: Likely benign for Fructose-biphosphatase deficiency. Last evaluated: 2023-08-14. Review status: criteria provided, single submitter. Criteria: Invitae Variant Classification Sherloc (09022015). Collection method: clinical testing. Allele origin: germline.

CeGaT Center for Human Genetics Tuebingen
Classification: Likely benign. Last evaluated: 2022-10-01. Review status: criteria provided, single submitter. Criteria: CeGaT Center For Human Genetics Tuebingen Variant Classification Criteria Version 2. Collection method: clinical testing. Allele origin: germline. Affected: yes. Observed: 1 variant allele.
Comment: FBP1: BP4, BP7

NM_000507.4(FBP1):c.606G>A (p.Lys202=)

Gene: FBP1 (fructose-bisphosphatase 1; minus strand). Cytogenetic location: 9q22.32.
Variant type: single nucleotide variant.
Coding change: c.606G>A on transcript NM_000507.4 (MANE Select); coding-DNA position 606, G replaced by A.
Protein change: p.Lys202=; no amino-acid change (lysine 202 retained).
Molecular consequence: synonymous variant.
Genome position (GRCh38, 1-based): chr9:94,606,914, C>T on the plus strand (G>A on the coding strand, the complement: FBP1 is on the minus strand). VCF-style: chr9-94606914-C-T. GRCh37 (hg19) VCF-style: chr9-97369196-C-T.
Other names: c.606G>A, p.Lys202= (NM_001127628.2).
Identifiers: ClinVar variation 1583411 (VCV001583411.35), dbSNP rs111596938, ClinGen allele CA5136178.